The following is an entry in ClinVar:

ClinVar aggregate classification (germline): Uncertain significance (1 of 4 stars; one submission).

Submission:

Labcorp Genetics (formerly Invitae), Labcorp
Classification: Uncertain significance. Last evaluated: 2025-08-13. Review status: criteria provided, single submitter. Criteria: Invitae Variant Classification Sherloc (09022015). Collection method: clinical testing. Allele origin: germline.
Comment: This sequence change replaces glutamine, which is neutral and polar, with histidine, which is basic and polar, at codon 273 of the DLL1 protein (p.Gln273His). This variant is not present in population databases (gnomAD no frequency). This variant has not been reported in the literature in individuals affected with DLL1-related conditions. An algorithm developed to predict the effect of missense changes on protein structure and function (PolyPhen-2) suggests that this variant is likely to be disruptive. In summary, the available evidence is currently insufficient to determine the role of this variant in disease. Therefore, it has been classified as a Variant of Uncertain Significance.

NM_005618.4(DLL1):c.819G>T (p.Gln273His)

Gene: DLL1 (delta like canonical Notch ligand 1; minus strand). Cytogenetic location: 6q27.
Variant type: single nucleotide variant.
Coding change: c.819G>T on transcript NM_005618.4 (MANE Select); coding-DNA position 819, G replaced by T.
Protein change: p.Gln273His; replaces glutamine 273 with histidine.
Molecular consequence: missense variant.
Genome position (GRCh38, 1-based): chr6:170,285,612, C>A on the plus strand (G>T on the coding strand, the complement: DLL1 is on the minus strand). VCF-style: chr6-170285612-C-A. GRCh37 (hg19) VCF-style: chr6-170594700-C-A.
Other names: short protein forms Q273H.
Identifiers: ClinVar variation 4725374 (VCV004725374.1).
Genomic context (GRCh38, chr6:170,285,612, plus strand): 5'-AGGGAGAGAAGGCTTACCCTGGTTGCAGAAAAGGCCCCCCCAGCCTTCCTGGCAGTTGCA[C>A]TGCCAGGGCTGCTGGCAGGTGCCATGGAGACAGCCTGGATAGCGGATACACTCGTCACAG-3'
Protein context (NP_005609.3, residues 263-283): CLHGTCQQPW[Gln273His]CNCQEGWGGL